The following is an entry in ClinVar:

ClinVar aggregate classification (germline): Pathogenic (1 of 4 stars; one submission).

Submission:

Labcorp Genetics (formerly Invitae), Labcorp
Classification: Pathogenic. Last evaluated: 2022-08-27. Review status: criteria provided, single submitter. Criteria: Invitae Variant Classification Sherloc (09022015). Collection method: clinical testing. Allele origin: germline.
Comment: This variant is a gross deletion of the genomic region encompassing exon(s) 20-23 of the MPDZ gene. This deletion is out-of-frame, and is expected to create a premature termination codon and result in an absent or disrupted protein product. Loss-of-function variants in MPDZ are known to be pathogenic (PMID: 23240096, 28556411). This variant has not been reported in the literature in individuals affected with MPDZ-related conditions. For these reasons, this variant has been classified as Pathogenic.

Literature cited by the submitters: PubMed 23240096; PubMed 28556411.

NC_000009.11:g.(?_13162670)_(13176436_?)del

Gene: MPDZ (multiple PDZ domain crumbs cell polarity complex component; minus strand). Cytogenetic location: 9p23.
Variant type: Deletion.
Identifiers: ClinVar variation 2424771 (VCV002424771.3).